The following is an entry in ClinVar:

ClinVar aggregate classification (germline): Conflicting classifications of pathogenicity. Review status: criteria provided, conflicting classifications (1 of 4 stars). 2 submissions from 2 submitters: Uncertain significance (1); Likely benign (1). Last evaluated 2023-03-23.

Conditions:
Hereditary cancer-predisposing syndrome. Also called: Neoplastic Syndromes, Hereditary; Hereditary Cancer Syndrome; Hereditary neoplastic syndrome; Tumor predisposition. Identifiers: Orphanet 140162, MedGen C0027672, MeSH D009386, MONDO:0015356.
Hereditary breast ovarian cancer syndrome. Also called: Hereditary breast and/or ovarian cancer syndrome; Breast and ovarian cancer; BRCA1- and BRCA2-Associated Hereditary Breast and Ovarian Cancer; Hereditary breast and ovarian cancer syndrome; Hereditary breast and ovarian cancer syndrome (HBOC); Hereditary breast and ovarian cancer. Identifiers: Orphanet 145, MedGen C0677776, MeSH D061325, MONDO:0003582. Disease mechanism: loss of function.

Submissions (2):

University of Washington Department of Laboratory Medicine, University of Washington
Classification: Likely benign for Hereditary cancer-predisposing syndrome. Last evaluated: 2023-03-23. Review status: criteria provided, single submitter. Criteria: Dines et al. (Genet Med. 2020). Collection method: curation. Allele origin: germline.
Comment: Missense variant in a coldspot region where missense variants are very unlikely to be pathogenic (PMID:31911673).

BRCA2 exon 11 coldspot. Reclassification based on statistical prior probability.

Labcorp Genetics (formerly Invitae), Labcorp
Classification: Uncertain significance for Hereditary breast ovarian cancer syndrome. Last evaluated: 2020-06-29. Review status: criteria provided, single submitter. Criteria: Invitae Variant Classification Sherloc (09022015). Collection method: clinical testing. Allele origin: germline.
Comment: This sequence change replaces valine with leucine at codon 894 of the BRCA2 protein (p.Val894Leu). The valine residue is weakly conserved and there is a small physicochemical difference between valine and leucine. In summary, the available evidence is currently insufficient to determine the role of this variant in disease. Therefore, it has been classified as a Variant of Uncertain Significance. Algorithms developed to predict the effect of missense changes on protein structure and function (SIFT, PolyPhen-2, Align-GVGD) all suggest that this variant is likely to be tolerated, but these predictions have not been confirmed by published functional studies and their clinical significance is uncertain. This variant has not been reported in the literature in individuals with BRCA2-related conditions. This variant is not present in population databases (ExAC no frequency).

NM_000059.4(BRCA2):c.2680G>C (p.Val894Leu)

Gene: BRCA2 (BRCA2 DNA repair associated; plus strand). Cytogenetic location: 13q13.1.
Variant type: single nucleotide variant.
Coding change: c.2680G>C on transcript NM_000059.4 (MANE Select); coding-DNA position 2680, G replaced by C.
Protein change: p.Val894Leu; replaces valine 894 with leucine.
Molecular consequence: missense variant.
Genome position (GRCh38, 1-based): chr13:32,337,035, G>C. VCF-style: chr13-32337035-G-C. GRCh37 (hg19) VCF-style: chr13-32911172-G-C.
Other names: short protein forms V894L.
Identifiers: ClinVar variation 1058845 (VCV001058845.10), dbSNP rs28897715, ClinGen allele CA387773420.